The following is an entry in ClinVar:

ClinVar aggregate classification (germline): Benign (1 of 4 stars; one submission).

Allele frequency attached by ClinVar (database versions not stated): TOPMed 0.33029; gnomAD 0.33340 and 0.34141; 1000 Genomes Project 30x 0.35072; 1000 Genomes Project 0.35723; gnomAD exomes 0.40240.
gnomAD v4.1: 131,877 of 350,646 alleles (38%); highest among the groups gnomAD compares: South Asian, 46%; 26,583 homozygotes.

Submission:

GeneDx
Classification: Benign. Last evaluated: 2018-06-14. Review status: criteria provided, single submitter. Criteria: GeneDx Variant Classification (06012015). Collection method: clinical testing. Allele origin: germline. Affected: yes.
Comment: This variant is considered likely benign or benign based on one or more of the following criteria: it is a conservative change, it occurs at a poorly conserved position in the protein, it is predicted to be benign by multiple in silico algorithms, and/or has population frequency not consistent with disease.

NM_002489.4(NDUFA4):c.43-266T>A

Gene: NDUFA4 (NDUFA4 mitochondrial complex associated; minus strand). Cytogenetic location: 7p21.3.
Variant type: single nucleotide variant.
Coding change: c.43-266T>A on transcript NM_002489.4 (MANE Select); 266 bases into the intron before coding-DNA position 43, T replaced by A.
Molecular consequence: intron variant.
Genome position (GRCh38, 1-based): chr7:10,939,162, A>T on the plus strand (T>A on the coding strand, the complement: NDUFA4 is on the minus strand). VCF-style: chr7-10939162-A-T. GRCh37 (hg19) VCF-style: chr7-10978789-A-T.
Identifiers: ClinVar variation 682708 (VCV000682708.1), dbSNP rs2286978, ClinGen allele CA12580918.